The following is an entry in ClinVar:

NM_015122.3(FCHO1):c.688G>A (p.Gly230Arg)

Gene: FCHO1 (FCH and mu domain containing endocytic adaptor 1; plus strand). Cytogenetic location: 19p13.11.
Variant type: single nucleotide variant.
Coding change: c.688G>A on transcript NM_015122.3 (MANE Select); coding-DNA position 688, G replaced by A.
Protein change: p.Gly230Arg; replaces glycine 230 with arginine.
Molecular consequence: missense variant. On other transcripts: non-coding transcript variant (36).
Genome position (GRCh38, 1-based): chr19:17,772,550, G>A. VCF-style: chr19-17772550-G-A. GRCh37 (hg19) VCF-style: chr19-17883359-G-A.
Other names: c.688G>A, p.Gly230Arg (NM_001161357.2, NM_001161358.2, NM_001384370.1 and 26 more transcripts); c.538G>A, p.Gly180Arg (NM_001161359.2, NM_001384384.1, NM_001384385.1 and 3 more transcripts); c.613G>A, p.Gly205Arg (NM_001384390.1); c.649G>A, p.Gly217Arg (NM_001384388.1, NM_001384389.1, NM_001384405.1); short protein forms G180R, G205R, G217R, G230R.
Identifiers: ClinVar variation 1974728 (VCV001974728.5), dbSNP rs1281788801, ClinGen allele CA404749838.
Genomic context (GRCh38, chr19:17,772,550, plus strand): 5'-CACATGAAGGCACTGCTGGGCTCATATGCTCACTCGGTGGAGGACACGCACGTGCAGATT[G>A]GGCAGGTGAGTTGGGCAGGTGTGAGGAATGAGGCTGGGGTCACTGCTGGGCAAAGGGGCC-3'
Protein context (NP_055937.1, residues 220-240): HSVEDTHVQI[Gly230Arg]QVHEEFKQNI

ClinVar aggregate classification (germline): Uncertain significance (1 of 4 stars; one submission).

Allele frequency attached by ClinVar (database versions not stated): gnomAD exomes 0.00001.
gnomAD v4.1: 3 of 1,614,106 alleles (0.00019%); highest among the groups gnomAD compares: Admixed American, 0.005%; no homozygotes.

Submission:

Labcorp Genetics (formerly Invitae), Labcorp
Classification: Uncertain significance. Last evaluated: 2022-06-26. Review status: criteria provided, single submitter. Criteria: Invitae Variant Classification Sherloc (09022015). Collection method: clinical testing. Allele origin: germline.
Comment: This sequence change replaces glycine, which is neutral and non-polar, with arginine, which is basic and polar, at codon 230 of the FCHO1 protein (p.Gly230Arg). This variant is present in population databases (no rsID available, gnomAD 0.003%). This variant has not been reported in the literature in individuals affected with FCHO1-related conditions. Algorithms developed to predict the effect of missense changes on protein structure and function are either unavailable or do not agree on the potential impact of this missense change (SIFT: "Deleterious"; PolyPhen-2: "Probably Damaging"; Align-GVGD: "Class C0"). In summary, the available evidence is currently insufficient to determine the role of this variant in disease. Therefore, it has been classified as a Variant of Uncertain Significance.